The following is an entry in ClinVar:

ClinVar aggregate classification (germline): Uncertain significance (1 of 4 stars; one submission).

Submission:

Labcorp Genetics (formerly Invitae), Labcorp
Classification: Uncertain significance. Last evaluated: 2022-08-23. Review status: criteria provided, single submitter. Criteria: Invitae Variant Classification Sherloc (09022015). Collection method: clinical testing. Allele origin: germline.
Comment: This variant is not present in population databases (gnomAD no frequency). This variant has not been reported in the literature in individuals affected with GFAP-related conditions. Algorithms developed to predict the effect of missense changes on protein structure and function are either unavailable or do not agree on the potential impact of this missense change (SIFT: "Deleterious"; PolyPhen-2: "Possibly Damaging"; Align-GVGD: "Class C15"). In summary, the available evidence is currently insufficient to determine the role of this variant in disease. Therefore, it has been classified as a Variant of Uncertain Significance. This sequence change replaces glutamic acid, which is acidic and polar, with glycine, which is neutral and non-polar, at codon 175 of the GFAP protein (p.Glu175Gly).

NM_002055.5(GFAP):c.524A>G (p.Glu175Gly)

Gene: GFAP (glial fibrillary acidic protein; minus strand). Cytogenetic location: 17q21.31.
Variant type: single nucleotide variant.
Coding change: c.524A>G on transcript NM_002055.5 (MANE Select); coding-DNA position 524, A replaced by G.
Protein change: p.Glu175Gly; replaces glutamic acid 175 with glycine.
Molecular consequence: missense variant.
Genome position (GRCh38, 1-based): chr17:44,913,822, T>C on the plus strand (A>G on the coding strand, the complement: GFAP is on the minus strand). VCF-style: chr17-44913822-T-C. GRCh37 (hg19) VCF-style: chr17-42991190-T-C.
Other names: c.524A>G, p.Glu175Gly (NM_001131019.3, NM_001242376.3, NM_001363846.2); short protein forms E175G.
Identifiers: ClinVar variation 1717825 (VCV001717825.5), dbSNP rs2508943139, ClinGen allele CA399846860.
Genomic context (GRCh38, chr17:44,913,822, plus strand): 5'-TCCTCCAGCGACTCAATCTTCCTCTCCAGATCCAGACGGGCCAGGGTGGCTTCATCTGCT[T>C]CCTGGAGTGGCAGGAGGGGTGAGGAGTAGAGGGCCACTGGGGCCCCAGGCTCCTTCTCCC-3'
Protein context (NP_002046.1, residues 165-185): AENNLAAYRQ[Glu175Gly]ADEATLARLD